The following is an entry in ClinVar:

ClinVar aggregate classification (germline): Pathogenic/Likely pathogenic. Review status: criteria provided, multiple submitters, no conflicts (2 of 4 stars). 9 submissions from 9 submitters: Pathogenic (5); Likely pathogenic (2). 2 of the submissions do not count toward it. Last evaluated 2026-08-13.

Conditions:
COL11A2-related disorder. Also called: COL11A2-related condition; COL11A2-related disorders.
Rare genetic deafness. Identifiers: Orphanet 96210, MedGen C5680250.
Autosomal dominant nonsyndromic hearing loss 13. Identifiers: Orphanet 90635, MedGen C1866095, MONDO:0011159, OMIM 601868.

Allele frequency attached by ClinVar (database versions not stated): gnomAD exomes below 0.00001.
gnomAD v4.1: 3 of 1,612,842 alleles (0.00019%); highest among the groups gnomAD compares: Non-Finnish European, 0.000085%; no homozygotes.

Submissions (9):

GeneDx
Classification: Pathogenic. Last evaluated: 2026-08-13. Review status: criteria provided, single submitter. Criteria: GeneDx Variant Classification Process June 2021. Collection method: clinical testing. Allele origin: germline.
Comment: Not observed at significant frequency in large population cohorts (gnomAD); In silico analysis supports that this missense variant has a deleterious effect on protein structure/function; Not observed in large population cohorts (gnomAD); This variant is associated with the following publications: (PMID: 15372529, 33105617, 10581026, 34599366)

Labcorp Genetics (formerly Invitae), Labcorp
Classification: Pathogenic. Last evaluated: 2025-12-03. Review status: criteria provided, single submitter. Criteria: Invitae Variant Classification Sherloc (09022015). Collection method: clinical testing. Allele origin: germline.
Comment: This sequence change replaces arginine, which is basic and polar, with cysteine, which is neutral and slightly polar, at codon 1034 of the COL11A2 protein (p.Arg1034Cys). This variant is not present in population databases (gnomAD no frequency). This missense change has been observed in individual(s) with autosomal dominant deafness (PMID: 10581026, 33105617). It has also been observed to segregate with disease in related individuals. This variant is also known as p.Arg549Cys. ClinVar contains an entry for this variant (Variation ID: 17124). Invitae Evidence Modeling of protein sequence and biophysical properties (such as structural, functional, and spatial information, amino acid conservation, physicochemical variation, residue mobility, and thermodynamic stability) indicates that this missense variant is not expected to disrupt COL11A2 protein function with a negative predictive value of 95%. For these reasons, this variant has been classified as Pathogenic.

PreventionGenetics, part of Exact Sciences
Classification: Pathogenic for COL11A2-related condition. Last evaluated: 2023-09-05. Review status: criteria provided, single submitter. Criteria: ACMG Guidelines, 2015. Collection method: clinical testing. Allele origin: germline.
Comment: The COL11A2 c.3100C>T variant is predicted to result in the amino acid substitution p.Arg1034Cys. This variant has been reported to segregate with autosomal dominant nonsyndromic hearing loss in a large family with 24 affected individuals (described as p.Arg549Cys, McGuirt. 1999. PubMed ID: 10581026) and was also reported in a single apparently unrelated individual with nonsyndromic hearing loss (Morgan. 2020. PubMed ID: 33105617). This variant has not been reported in a large population database, indicating this variant is rare. This variant is interpreted as pathogenic.

Blueprint Genetics
Classification: Pathogenic for COL11A2-related disorders. Last evaluated: 2022-11-01. Review status: criteria provided, single submitter. Criteria: ACMG Guidelines, 2015. Collection method: clinical testing. Allele origin: germline. Affected: yes. Observed: 5 variant alleles.

Laboratory for Molecular Medicine, Mass General Brigham Personalized Medicine
Classification: Likely pathogenic for Rare genetic deafness. Last evaluated: 2017-08-15. Review status: criteria provided, single submitter. Criteria: LMM Criteria. Collection method: clinical testing. Allele origin: germline. Inheritance: Autosomal dominant inheritance. Observed: 4 variant alleles.
Comment: The p.Arg1034Cys variant in COL11A2 has been reported in 3 unrelated individuals with hearing loss and segregated in 25 affected relatives in 2 families with au tosomal dominant nonsyndromic sensorineural hearing loss (McGuirt 1999, LMM data ). It has not been identified in large population studies. Computational predict ion tools and conservation analysis suggest that the variant may impact the prot ein. Variants in COL11A2 have been associated with both dominant and recessive h earing loss that can be either syndromic or nonsyndromic. However, there have be en only 2 families with autosomal dominant nonsyndromic hearing loss with signif icant segregation data in the published literature (McGuirt 1999). In summary, a lthough additional studies are required to fully establish its clinical signific ance, the p.Arg1034Cys variant is likely pathogenic.

CeGaT Center for Human Genetics Tuebingen
Classification: Pathogenic. Last evaluated: 2017-08-01. Review status: criteria provided, single submitter. Criteria: CeGaT Center For Human Genetics Tuebingen Variant Classification Criteria Version 2. Collection method: clinical testing. Allele origin: germline. Affected: yes. Observed: 1 variant allele.

Clinical Genetics Service, Universitary Hospital 12 de Octubre
Classification: Likely pathogenic for Autosomal dominant nonsyndromic hearing loss 13. Review status: criteria provided, single submitter. Criteria: ACMG Guidelines, 2015. Collection method: clinical testing. Allele origin: germline. Affected: yes.

Clinical Genetics Laboratory, University Hospital Schleswig-Holstein
Classification: Pathogenic for Autosomal dominant nonsyndromic hearing loss 13. Last evaluated: 2024-07-01. Review status: no assertion criteria provided. Collection method: clinical testing. Allele origin: paternal. Affected: yes. Not counted in ClinVar's aggregate classification.

OMIM
Classification: Pathogenic for DEAFNESS, AUTOSOMAL DOMINANT 13. Last evaluated: 1999-12-01. Review status: no assertion criteria provided. Collection method: literature only. Allele origin: germline. Not counted in ClinVar's aggregate classification.

Literature cited by the submitters: PubMed 10581026 (cited by 3 submitters); PubMed 33105617 (cited by Labcorp Genetics (formerly Invitae), Labcorp).

NM_080680.3(COL11A2):c.3100C>T (p.Arg1034Cys)

Gene: COL11A2 (collagen type XI alpha 2 chain; minus strand). Cytogenetic location: 6p21.32.
Variant type: single nucleotide variant.
Coding change: c.3100C>T on transcript NM_080680.3 (MANE Select); coding-DNA position 3100, C replaced by T.
Protein change: p.Arg1034Cys; replaces arginine 1034 with cysteine.
Molecular consequence: missense variant.
Genome position (GRCh38, 1-based): chr6:33,171,763, G>A on the plus strand (C>T on the coding strand, the complement: COL11A2 is on the minus strand). VCF-style: chr6-33171763-G-A. GRCh37 (hg19) VCF-style: chr6-33139540-G-A.
Other names: R549C; c.2779C>T, p.Arg927Cys (NM_080679.3); c.2842C>T, p.Arg948Cys (NM_080681.3); short protein forms R1034C, R927C, R948C.
Identifiers: ClinVar variation 17124 (VCV000017124.63), dbSNP rs121912947, ClinGen allele CA257707.
Genomic context (GRCh38, chr6:33,171,763, plus strand): 5'-CCACACTCACTGGGACACCTTTCTCTCCTGCTGCTCCAGGGGGACCCTGCGGGCCTGGGC[G>A]CCCTGGCGGACCAATGGGTCCCCCTGATCCTGCTGCACCTCGTTCCCCAGGGGAGCCCTG-3'
Protein context (NP_542411.2, residues 1024-1044): GSGGPIGPPG[Arg1034Cys]PGPQGPPGAA